The following is an entry in ClinVar:

ClinVar aggregate classification (germline): Likely benign. Review status: criteria provided, multiple submitters, no conflicts (2 of 4 stars). 4 submissions from 4 submitters: Likely benign (3). 1 of the submissions does not count toward it. Last evaluated 2025-11-26.

Conditions:
DNAAF3-related disorder. Also called: DNAAF3-related condition.
Primary ciliary dyskinesia. Also called: Ciliary dyskinesia. Identifiers: Orphanet 244, MedGen C0008780, MONDO:0016575, HP:0012265.

Allele frequency attached by ClinVar (database versions not stated): gnomAD exomes 0.00002; gnomAD 0.00004 and 0.00006; TOPMed 0.00010; 1000 Genomes Project 0.00020; ExAC 0.00025; 1000 Genomes Project 30x 0.00031.
gnomAD v4.1: 29 of 1,250,194 alleles (0.0023%); highest among the groups gnomAD compares: Admixed American, 0.029%; no homozygotes.

Submissions (4):

Labcorp Genetics (formerly Invitae), Labcorp
Classification: Likely benign for Primary ciliary dyskinesia. Last evaluated: 2025-11-26. Review status: criteria provided, single submitter. Criteria: Invitae Variant Classification Sherloc (09022015). Collection method: clinical testing. Allele origin: germline.

Ambry Genetics
Classification: Likely benign for Primary ciliary dyskinesia. Last evaluated: 2023-11-06. Review status: criteria provided, single submitter. Criteria: Ambry Variant Classification Scheme 2023. Collection method: clinical testing. Allele origin: germline.

Breakthrough Genomics
Classification: Likely benign. Review status: criteria provided, single submitter. Criteria: ACMG Guidelines, 2015. Collection method: not provided. Allele origin: germline. Inheritance: Autosomal recessive inheritance. Affected: yes.

PreventionGenetics, part of Exact Sciences
Classification: Likely benign for DNAAF3-related condition. Last evaluated: 2019-03-06. Review status: no assertion criteria provided. Collection method: clinical testing. Allele origin: germline. Not counted in ClinVar's aggregate classification.
Comment: This variant is classified as likely benign based on ACMG/AMP sequence variant interpretation guidelines (Richards et al. 2015 PMID: 25741868, with internal and published modifications).

NM_001256715.2(DNAAF3):c.354G>A (p.Gly118=)

Genes: DNAAF3 (dynein axonemal assembly factor 3; minus strand), DNAAF3-AS1 (DNAAF3 antisense RNA 1; plus strand). Cytogenetic location: 19q13.42.
Variant type: single nucleotide variant.
Coding change: c.354G>A on transcript NM_001256715.2 (MANE Select); coding-DNA position 354, G replaced by A.
Protein change: p.Gly118=; no amino-acid change (glycine 118 retained).
Molecular consequence: synonymous variant.
Genome position (GRCh38, 1-based): chr19:55,162,259, C>T on the plus strand (G>A on the coding strand, the complement: DNAAF3 is on the minus strand). VCF-style: chr19-55162259-C-T. GRCh37 (hg19) VCF-style: chr19-55673627-C-T.
Other names: c.558G>A, p.Gly186= (NM_001256714.1); c.192G>A, p.Gly64= (NM_001256716.2); c.495G>A, p.Gly165= (NM_178837.4).
Identifiers: ClinVar variation 790960 (VCV000790960.12), dbSNP rs192924578, ClinGen allele CA9668159.